The following is an entry in ClinVar:

ClinVar aggregate classification (germline): Uncertain significance (1 of 4 stars; one submission).

Conditions:
Emery-Dreifuss muscular dystrophy (EDMD). Also called: Scapuloperoneal syndrome, X-linked (formerly); Humeroperoneal neuromuscular disease, (formerly). Identifiers: Orphanet 261, MedGen C0410189, MONDO:0016830.

Submission:

Labcorp Genetics (formerly Invitae), Labcorp
Classification: Uncertain significance for Emery-Dreifuss muscular dystrophy. Last evaluated: 2023-04-07. Review status: criteria provided, single submitter. Criteria: Invitae Variant Classification Sherloc (09022015). Collection method: clinical testing. Allele origin: germline.
Comment: This sequence change replaces valine, which is neutral and non-polar, with leucine, which is neutral and non-polar, at codon 332 of the SUN1 protein (p.Val332Leu). This variant is not present in population databases (gnomAD no frequency). This variant has not been reported in the literature in individuals affected with SUN1-related conditions. An algorithm developed to predict the effect of missense changes on protein structure and function (PolyPhen-2) suggests that this variant is likely to be tolerated. In summary, the available evidence is currently insufficient to determine the role of this variant in disease. Therefore, it has been classified as a Variant of Uncertain Significance.

NM_001130965.3(SUN1):c.994G>C (p.Val332Leu)

Gene: SUN1 (Sad1 and UNC84 domain containing 1; plus strand). Cytogenetic location: 7p22.3.
Variant type: single nucleotide variant.
Coding change: c.994G>C on transcript NM_001130965.3 (MANE Select); coding-DNA position 994, G replaced by C.
Protein change: p.Val332Leu; replaces valine 332 with leucine.
Molecular consequence: missense variant. On other transcripts: non-coding transcript variant (3).
Genome position (GRCh38, 1-based): chr7:852,893, G>C. VCF-style: chr7-852893-G-C. GRCh37 (hg19) VCF-style: chr7-892530-G-C.
Other names: c.685G>C, p.Val229Leu (NM_001171944.2); c.979G>C, p.Val327Leu (NM_001367642.1); c.1186G>C, p.Val396Leu (NM_001367643.1); c.925G>C, p.Val309Leu (NM_001367644.1); c.955G>C, p.Val319Leu (NM_001367645.1, NM_001367689.1, NM_001367667.1); c.1123G>C, p.Val375Leu (NM_001367646.1, NM_001367707.1); c.1036G>C, p.Val346Leu (NM_001367647.1, NM_001367668.1); c.856G>C, p.Val286Leu (NM_001367648.1); and 38 more; short protein forms V215L, V281L, V306L, V331L, V332L, V360L, V398L, V425L.
Identifiers: ClinVar variation 2813196 (VCV002813196.3), dbSNP rs1200516966, ClinGen allele CA366530584.